The following is an entry in ClinVar:

NM_001136191.3(KANK2):c.2068G>A (p.Gly690Ser)

Gene: KANK2 (KN motif and ankyrin repeat domains 2; minus strand). Cytogenetic location: 19p13.2.
Variant type: single nucleotide variant.
Coding change: c.2068G>A on transcript NM_001136191.3 (MANE Select); coding-DNA position 2068, G replaced by A.
Protein change: p.Gly690Ser; replaces glycine 690 with serine.
Molecular consequence: missense variant.
Genome position (GRCh38, 1-based): chr19:11,174,473, C>T on the plus strand (G>A on the coding strand, the complement: KANK2 is on the minus strand). VCF-style: chr19-11174473-C-T. GRCh37 (hg19) VCF-style: chr19-11285149-C-T.
Other names: c.2068G>A, p.Gly690Ser (NM_001329451.2, NM_001379555.1, NM_001379556.1 and 7 more transcripts); c.2092G>A, p.Gly698Ser (NM_001379548.1, NM_001379549.1, NM_001379550.1 and 5 more transcripts); short protein forms G690S, G698S.
Identifiers: ClinVar variation 2413225 (VCV002413225.8), dbSNP rs115046996, ClinGen allele CA9205411.

ClinVar aggregate classification (germline): Uncertain significance. Review status: criteria provided, multiple submitters, no conflicts (2 of 4 stars). 2 submissions from 2 submitters: Uncertain significance (2). Last evaluated 2025-06-12.

Conditions:
Nephrotic syndrome 16. Identifiers: MedGen C4540453, MONDO:0033280, OMIM 617783.

Allele frequency attached by ClinVar (database versions not stated): ESP Exome Variant Server 0.00031; 1000 Genomes Project 0.00100; 1000 Genomes Project 30x 0.00109.
gnomAD v4.1: 112 of 1,604,758 alleles (0.007%); highest among the groups gnomAD compares: African/African-American, 0.12%; no homozygotes.

Submissions (3):

Labcorp Genetics (formerly Invitae), Labcorp
Classification: Uncertain significance. Last evaluated: 2025-06-12. Review status: criteria provided, single submitter. Criteria: Invitae Variant Classification Sherloc (09022015). Collection method: clinical testing. Allele origin: germline.
Comment: This sequence change replaces glycine, which is neutral and non-polar, with serine, which is neutral and polar, at codon 690 of the KANK2 protein (p.Gly690Ser). This variant also falls at the last nucleotide of exon 9, which is part of the consensus splice site for this exon. This variant is present in population databases (rs115046996, gnomAD 0.1%), and has an allele count higher than expected for a pathogenic variant. This variant has not been reported in the literature in individuals affected with KANK2-related conditions. ClinVar contains an entry for this variant (Variation ID: 2413225). An algorithm developed to predict the effect of missense changes on protein structure and function (PolyPhen-2) suggests that this variant is likely to be disruptive. Variants that disrupt the consensus splice site are a relatively common cause of aberrant splicing (PMID: 17576681, 9536098). Algorithms developed to predict the effect of sequence changes on RNA splicing suggest that this variant may disrupt the consensus splice site. In summary, the available evidence is currently insufficient to determine the role of this variant in disease. Therefore, it has been classified as a Variant of Uncertain Significance.

Clinical Genomics Laboratory, Washington University in St. Louis
Classification: Uncertain significance for Nephrotic syndrome 16. Last evaluated: 2024-11-22. Review status: criteria provided, single submitter. Criteria: ACMG Guidelines, 2015. Collection method: clinical testing. Allele origin: germline.
Comment: A KANK2 c.2068G>A (p.Gly690Ser) variant was identified. This variant, to our knowledge, has not been reported in the medical literature but has been reported in the ClinVar database as a germline variant of uncertain significance by one submitter and is only observed on 26/264,746 alleles in the general population (gnomAD v.2.1.1). Computational predictors indicate that the variant has a damaging impact on the protein. Additionally, this variant also occurs at the last nucleotide of the exon, a position that is well-conserved and predicted to be critical in RNA splicing; splicing predictors indicate that this variant would alter splicing. Due to limited information, and based on ACMG/AMP guidelines for variant interpretation (Richards S et al., PMID: 25741868), the clinical significance of the KANK2 c.2068G>A (p.Gly690Ser) variant is uncertain at this time.

Dr. Peter K. Rogan Lab, Western University
No classification provided (evidence only). Condition: Familial cancer of breast. Review status: no classification provided. Collection method: in vitro. Allele origin: not applicable. Functional consequence: retained intron. Not counted in ClinVar's aggregate classification.

Literature cited by the submitters: PubMed 17576681 (cited by Labcorp Genetics (formerly Invitae), Labcorp); PubMed 9536098 (cited by Labcorp Genetics (formerly Invitae), Labcorp).